The following is an entry in ClinVar:

ClinVar aggregate classification (germline): Uncertain significance (1 of 4 stars; one submission).

Conditions:
Brugada syndrome. Also called: Sudden unexplained nocturnal death syndrome; Sudden Unexplained Death Syndrome; Sudden Unexplained Nocturnal Death Syndrome (SUNDS); Sudden unexpected nocturnal death syndrome. Identifiers: Orphanet 130, MedGen C1142166, MONDO:0015263.

Allele frequency attached by ClinVar (database versions not stated): gnomAD exomes below 0.00001.
gnomAD v4.1: 3 of 1,608,112 alleles (0.00019%); highest among the groups gnomAD compares: Non-Finnish European, 0.00026%; no homozygotes.

Submission:

Labcorp Genetics (formerly Invitae), Labcorp
Classification: Uncertain significance for Brugada syndrome. Last evaluated: 2020-02-20. Review status: criteria provided, single submitter. Criteria: Invitae Variant Classification Sherloc (09022015). Collection method: clinical testing. Allele origin: germline.
Comment: Algorithms developed to predict the effect of missense changes on protein structure and function are either unavailable or do not agree on the potential impact of this missense change (SIFT: "Deleterious"; PolyPhen-2: "Probably Damaging"; Align-GVGD: "Class C0"). This variant has not been reported in the literature in individuals with SLMAP-related conditions. This variant is not present in population databases (ExAC no frequency). This sequence change replaces isoleucine with methionine at codon 528 of the SLMAP protein (p.Ile528Met). The isoleucine residue is highly conserved and there is a small physicochemical difference between isoleucine and methionine. In summary, the available evidence is currently insufficient to determine the role of this variant in disease. Therefore, it has been classified as a Variant of Uncertain Significance.

NM_001377540.1(SLMAP):c.1686A>G (p.Ile562Met)

Gene: SLMAP (sarcolemma associated protein; plus strand). Cytogenetic location: 3p14.3.
Variant type: single nucleotide variant.
Coding change: c.1686A>G on transcript NM_001377540.1 (MANE Select); coding-DNA position 1686, A replaced by G.
Protein change: p.Ile562Met; replaces isoleucine 562 with methionine.
Molecular consequence: missense variant. On other transcripts: non-coding transcript variant (1), intron variant (1).
Genome position (GRCh38, 1-based): chr3:57,909,137, A>G. VCF-style: chr3-57909137-A-G. GRCh37 (hg19) VCF-style: chr3-57894864-A-G.
Other names: c.1635A>G, p.Ile545Met (NM_001304420.3, NM_001377541.1, NM_001377542.1); c.1521A>G, p.Ile507Met (NM_001304421.2, NM_001377557.1, NM_001377559.1); c.237A>G, p.Ile79Met (NM_001304422.3, NM_001311178.2); c.114A>G, p.Ile38Met (NM_001311179.2, NM_001377926.1, NM_001377927.1 and 1 more transcripts); c.1707A>G, p.Ile569Met (NM_001377538.1); c.1686A>G, p.Ile562Met (NM_001377539.1); c.1623A>G, p.Ile541Met (NM_001377545.1); c.1584A>G, p.Ile528Met (NM_001377549.1, NM_007159.5); and 8 more; short protein forms I38M, I466M, I483M, I487M, I500M, I504M, I507M, I521M.
Identifiers: ClinVar variation 999704 (VCV000999704.5), dbSNP rs2096633047, ClinGen allele CA353407414.